The following is an entry in ClinVar:

ClinVar aggregate classification (germline): Benign/Likely benign. Review status: criteria provided, multiple submitters, no conflicts (2 of 4 stars). 4 submissions from 4 submitters: Benign (1); Likely benign (3). Last evaluated 2025-01-21.

Conditions:
Hereditary cancer-predisposing syndrome. Also called: Neoplastic Syndromes, Hereditary; Tumor predisposition; Hereditary Cancer Syndrome; Hereditary neoplastic syndrome. Identifiers: Orphanet 140162, MedGen C0027672, MeSH D009386, MONDO:0015356.
Papillary renal cell carcinoma type 1 (RCCP1). Also called: Renal adenocarcinoma; Renal cell carcinoma 1; Renal cell carcinoma, somatic; RENAL CELL CARCINOMA, PAPILLARY, 1, SOMATIC. Identifiers: Orphanet 47044, MedGen C1336839, OMIM 605074, HP:0011797.
Renal cell carcinoma. Identifiers: Orphanet 217071, MedGen C0007134, MeSH D002292, MONDO:0005086, HP:0005584.

Allele frequency attached by ClinVar (database versions not stated): gnomAD 0.00001; TOPMed 0.00001.
gnomAD v4.1: 2 of 1,613,880 alleles (0.00012%); highest among the groups gnomAD compares: Non-Finnish European, 0.00017%; no homozygotes.

Submissions (4):

Labcorp Genetics (formerly Invitae), Labcorp
Classification: Likely benign for Renal cell carcinoma. Last evaluated: 2025-01-21. Review status: criteria provided, single submitter. Criteria: Invitae Variant Classification Sherloc (09022015). Collection method: clinical testing. Allele origin: germline.

Myriad Genetics, Inc.
Classification: Benign for Papillary renal cell carcinoma type 1. Last evaluated: 2024-11-06. Review status: criteria provided, single submitter. Criteria: Myriad Autosomal Dominant, Autosomal Recessive and X-Linked Classification Criteria (2023). Collection method: clinical testing. Allele origin: unknown.
Comment: This variant is considered benign. This variant is a silent/synonymous amino acid change and it is not expected to impact splicing.

CeGaT Center for Human Genetics Tuebingen
Classification: Likely benign. Last evaluated: 2024-06-01. Review status: criteria provided, single submitter. Criteria: CeGaT Center For Human Genetics Tuebingen Variant Classification Criteria Version 2. Collection method: clinical testing. Allele origin: germline. Affected: yes. Observed: 2 variant alleles.
Comment: MET: BP4, BP7

Ambry Genetics
Classification: Likely benign for Hereditary cancer-predisposing syndrome. Last evaluated: 2020-06-11. Review status: criteria provided, single submitter. Criteria: Ambry Variant Classification Scheme 2023. Collection method: clinical testing. Allele origin: germline.

NM_000245.4(MET):c.315C>T (p.Ala105=)

Gene: MET (MET proto-oncogene, receptor tyrosine kinase; plus strand). Cytogenetic location: 7q31.2.
Variant type: single nucleotide variant.
Coding change: c.315C>T on transcript NM_000245.4 (MANE Select); coding-DNA position 315, C replaced by T.
Protein change: p.Ala105=; no amino-acid change (alanine 105 retained).
Molecular consequence: synonymous variant. On other transcripts: intron variant (1).
Genome position (GRCh38, 1-based): chr7:116,699,399, C>T. VCF-style: chr7-116699399-C-T. GRCh37 (hg19) VCF-style: chr7-116339453-C-T.
Other names: c.315C>T, p.Ala105= (NM_001127500.3, NM_001324401.3); c.-91+26822C>T (NM_001324402.2).
Identifiers: ClinVar variation 703901 (VCV000703901.35), dbSNP rs1428685262, ClinGen allele CA457447629.